The following is an entry in ClinVar:

NM_001077365.2(POMT1):c.1100G>T (p.Ser367Ile)

Gene: POMT1 (protein O-mannosyltransferase 1; plus strand). Cytogenetic location: 9q34.13.
Variant type: single nucleotide variant.
Coding change: c.1100G>T on transcript NM_001077365.2 (MANE Select); coding-DNA position 1100, G replaced by T.
Protein change: p.Ser367Ile; replaces serine 367 with isoleucine.
Molecular consequence: missense variant. On other transcripts: non-coding transcript variant (10), intron variant (1).
Genome position (GRCh38, 1-based): chr9:131,513,256, G>T. VCF-style: chr9-131513256-G-T. GRCh37 (hg19) VCF-style: chr9-134388643-G-T.
Other names: c.938G>T, p.Ser313Ile (NM_001077366.2, NM_001353194.2); c.1100G>T, p.Ser367Ile (NM_001136113.2, NM_001374690.1); c.749G>T, p.Ser250Ile (NM_001136114.2, NM_001353195.2, NM_001374691.1 and 1 more transcripts); c.1166G>T, p.Ser389Ile (NM_001353193.2, NM_007171.4); c.1010G>T, p.Ser337Ile (NM_001353196.2); c.1004G>T, p.Ser335Ile (NM_001353197.2, NM_001353198.2); c.815G>T, p.Ser272Ile (NM_001353199.2); c.644G>T, p.Ser215Ile (NM_001353200.2); and 4 more; short protein forms S215I, S389I, S237I, S250I, S272I, S313I, S337I, S363I.
Identifiers: ClinVar variation 2100200 (VCV002100200.4), dbSNP rs1231366427, ClinGen allele CA375309012.

ClinVar aggregate classification (germline): Uncertain significance (1 of 4 stars; one submission).

Conditions:
Muscular dystrophy-dystroglycanopathy (congenital with impaired intellectual development), type B, 1. Also called: Muscular dystrophy-dystroglycanopathy (congenital with intellectual disability), type B1; MUSCULAR DYSTROPHY, CONGENITAL, POMT1-RELATED. Identifiers: MedGen C5436962, MONDO:0013159, OMIM 613155.
Walker-Warburg congenital muscular dystrophy. Also called: Muscular dystrophy-dystroglycanopathy, type A; Walker-Warburg syndrome. Identifiers: Orphanet 899, MedGen C0265221, MONDO:0000171.
Autosomal recessive limb-girdle muscular dystrophy type 2K. Also called: MUSCULAR DYSTROPHY-DYSTROGLYCANOPATHY (LIMB-GIRDLE), TYPE C, 1; MUSCULAR DYSTROPHY, LIMB-GIRDLE, TYPE 2K. Identifiers: Orphanet 86812, MedGen C1836373, MONDO:0012248, OMIM 609308.

gnomAD v4.1: 3 of 1,613,058 alleles (0.00019%); highest among the groups gnomAD compares: Admixed American, 0.0033%; no homozygotes.

Submission:

Labcorp Genetics (formerly Invitae), Labcorp
Classification: Uncertain significance for Muscular dystrophy-dystroglycanopathy (congenital with impaired intellectual development), type B, 1; Walker-Warburg congenital muscular dystrophy; Autosomal recessive limb-girdle muscular dystrophy type 2K. Last evaluated: 2024-02-23. Review status: criteria provided, single submitter. Criteria: Invitae Variant Classification Sherloc (09022015). Collection method: clinical testing. Allele origin: germline.
Comment: This sequence change replaces serine, which is neutral and polar, with isoleucine, which is neutral and non-polar, at codon 389 of the POMT1 protein (p.Ser389Ile). This variant is present in population databases (no rsID available, gnomAD 0.003%). This variant has not been reported in the literature in individuals affected with POMT1-related conditions. ClinVar contains an entry for this variant (Variation ID: 2100200). Advanced modeling of protein sequence and biophysical properties (such as structural, functional, and spatial information, amino acid conservation, physicochemical variation, residue mobility, and thermodynamic stability) has been performed at Invitae for this missense variant, however the output from this modeling did not meet the statistical confidence thresholds required to predict the impact of this variant on POMT1 protein function. In summary, the available evidence is currently insufficient to determine the role of this variant in disease. Therefore, it has been classified as a Variant of Uncertain Significance.